The following is an entry in ClinVar:

NM_000268.4(NF2):c.542C>G (p.Pro181Arg)

Gene: NF2 (NF2, moesin-ezrin-radixin like (MERLIN) tumor suppressor; plus strand). Cytogenetic location: 22q12.2.
Variant type: single nucleotide variant.
Coding change: c.542C>G on transcript NM_000268.4 (MANE Select); coding-DNA position 542, C replaced by G.
Protein change: p.Pro181Arg; replaces proline 181 with arginine.
Molecular consequence: missense variant. On other transcripts: intron variant (1).
Genome position (GRCh38, 1-based): chr22:29,655,619, C>G. VCF-style: chr22-29655619-C-G. GRCh37 (hg19) VCF-style: chr22-30051608-C-G.
Other names: c.428C>G, p.Pro143Arg (NM_001407053.1, NM_001407056.1); c.419C>G, p.Pro140Arg (NM_001407054.1, NM_001407058.1, NM_001407062.1 and 1 more transcripts); c.416C>G, p.Pro139Arg (NM_001407055.1, NM_181828.3); c.542C>G, p.Pro181Arg (NM_001407057.1, NM_001407059.1, NM_001407060.1 and 4 more transcripts); c.293C>G, p.Pro98Arg (NM_001407063.1, NM_001407064.1, NM_181830.3 and 1 more transcripts); c.8C>G, p.Pro3Arg (NM_001407065.1); c.311C>G, p.Pro104Arg (NM_001407067.1); c.447+13334C>G (NM_181833.3); short protein forms P143R, P98R, P104R, P181R, P3R, P139R, P140R.
Identifiers: ClinVar variation 3919136 (VCV003919136.1).
Genomic context (GRCh38, chr22:29,655,619, plus strand): 5'-GTGTAGGTTTTTTATTTTGCTCTATTTTTTGGTAGGTAATAAATCTGTATCAGATGACTC[C>G]GGAAATGTGGGAGGAGAGAATTACTGCTTGGTACGCAGAGCACCGAGGCCGAGCCAGGTG-3'
Protein context (NP_000259.1, residues 171-191): KRVINLYQMT[Pro181Arg]EMWEERITAW

ClinVar aggregate classification (germline): Uncertain significance (1 of 4 stars; one submission).

Conditions:
Hereditary cancer-predisposing syndrome. Also called: Hereditary Cancer Syndrome; Hereditary neoplastic syndrome; Neoplastic Syndromes, Hereditary; Tumor predisposition. Identifiers: Orphanet 140162, MedGen C0027672, MeSH D009386, MONDO:0015356.

Submission:

Ambry Genetics
Classification: Uncertain significance for Hereditary cancer-predisposing syndrome. Last evaluated: 2025-04-14. Review status: criteria provided, single submitter. Criteria: Ambry Variant Classification Scheme 2023. Collection method: clinical testing. Allele origin: germline.
Comment: The p.P181R variant (also known as c.542C>G), located in coding exon 6 of the NF2 gene, results from a C to G substitution at nucleotide position 542. The proline at codon 181 is replaced by arginine, an amino acid with dissimilar properties. This amino acid position is conserved. In addition, this alteration is predicted to be tolerated by in silico analysis. Based on the available evidence, the clinical significance of this variant remains unclear.